The following is an entry in ClinVar:

NM_004484.4(GPC3):c.455T>C (p.Val152Ala)

Gene: GPC3 (glypican 3; minus strand). Cytogenetic location: Xq26.2.
Variant type: single nucleotide variant.
Coding change: c.455T>C on transcript NM_004484.4 (MANE Select); coding-DNA position 455, T replaced by C.
Protein change: p.Val152Ala; replaces valine 152 with alanine.
Molecular consequence: missense variant.
Genome position (GRCh38, 1-based): chrX:133,754,059, A>G on the plus strand (T>C on the coding strand, the complement: GPC3 is on the minus strand). VCF-style: chrX-133754059-A-G. GRCh37 (hg19) VCF-style: chrX-132888086-A-G.
Other names: c.455T>C, p.Val152Ala (NM_001164617.2); c.407T>C, p.Val136Ala (NM_001164618.2); c.293T>C, p.Val98Ala (NM_001164619.2); short protein forms V98A, V152A, V136A.
Identifiers: ClinVar variation 2718721 (VCV002718721.3), dbSNP rs2521358148, ClinGen allele CA414706591.

ClinVar aggregate classification (germline): Uncertain significance (1 of 4 stars; one submission).

Conditions:
Wilms tumor 1 (WT1). Also called: Wilms tumor, somatic. Identifiers: Orphanet 654, MedGen CN033288, MONDO:0008679, OMIM 194070.

Submission:

Labcorp Genetics (formerly Invitae), Labcorp
Classification: Uncertain significance for Wilms tumor 1. Last evaluated: 2024-04-30. Review status: criteria provided, single submitter. Criteria: Invitae Variant Classification Sherloc (09022015). Collection method: clinical testing. Allele origin: germline.
Comment: This sequence change replaces valine, which is neutral and non-polar, with alanine, which is neutral and non-polar, at codon 152 of the GPC3 protein (p.Val152Ala). This variant is not present in population databases (gnomAD no frequency). This variant has not been reported in the literature in individuals affected with GPC3-related conditions. Advanced modeling of protein sequence and biophysical properties (such as structural, functional, and spatial information, amino acid conservation, physicochemical variation, residue mobility, and thermodynamic stability) performed at Invitae indicates that this missense variant is not expected to disrupt GPC3 protein function with a negative predictive value of 80%. In summary, the available evidence is currently insufficient to determine the role of this variant in disease. Therefore, it has been classified as a Variant of Uncertain Significance.